The following is an entry in ClinVar:

ClinVar aggregate classification (germline): Uncertain significance (1 of 4 stars; one submission).

Conditions:
KBG syndrome (KBGS). Also called: ANKRD11-Related KBG Syndrome. Identifiers: Orphanet 2332, MedGen C0220687, MONDO:0007846, OMIM 148050.

Submission:

Labcorp Genetics (formerly Invitae), Labcorp
Classification: Uncertain significance for KBG syndrome. Last evaluated: 2025-05-11. Review status: criteria provided, single submitter. Criteria: Invitae Variant Classification Sherloc (09022015). Collection method: clinical testing. Allele origin: germline.
Comment: This sequence change replaces proline, which is neutral and non-polar, with alanine, which is neutral and non-polar, at codon 1173 of the ANKRD11 protein (p.Pro1173Ala). This variant is not present in population databases (gnomAD no frequency). This variant has not been reported in the literature in individuals affected with ANKRD11-related conditions. Invitae Evidence Modeling of protein sequence and biophysical properties (such as structural, functional, and spatial information, amino acid conservation, physicochemical variation, residue mobility, and thermodynamic stability) indicates that this missense variant is not expected to disrupt ANKRD11 protein function with a negative predictive value of 95%. In summary, the available evidence is currently insufficient to determine the role of this variant in disease. Therefore, it has been classified as a Variant of Uncertain Significance.

NM_013275.6(ANKRD11):c.3517C>G (p.Pro1173Ala)

Gene: ANKRD11 (ankyrin repeat domain 11; minus strand). Cytogenetic location: 16q24.3.
Variant type: single nucleotide variant.
Coding change: c.3517C>G on transcript NM_013275.6 (MANE Select); coding-DNA position 3517, C replaced by G.
Protein change: p.Pro1173Ala; replaces proline 1173 with alanine.
Molecular consequence: missense variant.
Genome position (GRCh38, 1-based): chr16:89,283,025, G>C on the plus strand (C>G on the coding strand, the complement: ANKRD11 is on the minus strand). VCF-style: chr16-89283025-G-C. GRCh37 (hg19) VCF-style: chr16-89349433-G-C.
Other names: c.3517C>G, p.Pro1173Ala (NM_001256182.2, NM_001256183.2); short protein forms P1173A.
Identifiers: ClinVar variation 4802802 (VCV004802802.1).